The following is an entry in ClinVar:

ClinVar aggregate classification (germline): Uncertain significance. Review status: criteria provided, multiple submitters, no conflicts (2 of 4 stars). 3 submissions from 3 submitters: Uncertain significance (3). Last evaluated 2025-03-08.

Conditions:
Inborn genetic diseases. Identifiers: MedGen C0950123, MeSH D030342.
Neuromuscular disease caused by qualitative or quantitative defects of dysferlin. Also called: Dysferlinopathy; Qualitative or quantitative defects of dysferlin. Identifiers: Orphanet 207073, MedGen C2931687, MONDO:0016145.

Allele frequency attached by ClinVar (database versions not stated): gnomAD 0.00001; TOPMed 0.00001.
gnomAD v4.1: 9 of 1,614,062 alleles (0.00056%); highest among the groups gnomAD compares: Admixed American, 0.0017%; no homozygotes.

Submissions (3):

Ambry Genetics
Classification: Uncertain significance for Inborn genetic diseases. Last evaluated: 2025-03-08. Review status: criteria provided, single submitter. Criteria: Ambry Variant Classification Scheme 2023. Collection method: clinical testing. Allele origin: germline.

Labcorp Genetics (formerly Invitae), Labcorp
Classification: Uncertain significance for Neuromuscular disease caused by qualitative or quantitative defects of dysferlin. Last evaluated: 2021-08-27. Review status: criteria provided, single submitter. Criteria: Invitae Variant Classification Sherloc (09022015). Collection method: clinical testing. Allele origin: germline.
Comment: This sequence change replaces glutamic acid with lysine at codon 409 of the DYSF protein (p.Glu409Lys). The glutamic acid residue is weakly conserved and there is a small physicochemical difference between glutamic acid and lysine. This variant is not present in population databases (ExAC no frequency). This variant has not been reported in the literature in individuals affected with DYSF-related conditions. ClinVar contains an entry for this variant (Variation ID: 286722). Advanced modeling of protein sequence and biophysical properties (such as structural, functional, and spatial information, amino acid conservation, physicochemical variation, residue mobility, and thermodynamic stability) performed at Invitae indicates that this missense variant is not expected to disrupt DYSF protein function. In summary, the available evidence is currently insufficient to determine the role of this variant in disease. Therefore, it has been classified as a Variant of Uncertain Significance.

Eurofins Ntd Llc (ga)
Classification: Uncertain significance. Last evaluated: 2016-03-16. Review status: criteria provided, single submitter. Criteria: EGL Classification Definitions 2015. Collection method: clinical testing. Allele origin: germline. Observed: 1 variant allele, 1 heterozygote.

NM_001130987.2(DYSF):c.1321G>A (p.Glu441Lys)

Gene: DYSF (dysferlin; plus strand). Cytogenetic location: 2p13.2.
Variant type: single nucleotide variant.
Coding change: c.1321G>A on transcript NM_001130987.2 (MANE Select); coding-DNA position 1321, G replaced by A.
Protein change: p.Glu441Lys; replaces glutamic acid 441 with lysine.
Molecular consequence: missense variant.
Genome position (GRCh38, 1-based): chr2:71,528,342, G>A. VCF-style: chr2-71528342-G-A. GRCh37 (hg19) VCF-style: chr2-71755472-G-A.
Other names: c.1225G>A (NM_003494.3); c.1228G>A, p.Glu410Lys (NM_001130455.2, NM_001130983.2, NM_001130984.2 and 1 more transcripts); c.1225G>A, p.Glu409Lys (NM_001130976.2, NM_001130977.2, NM_001130978.2 and 1 more transcripts); c.1318G>A, p.Glu440Lys (NM_001130979.2, NM_001130980.2, NM_001130981.2); c.1321G>A, p.Glu441Lys (NM_001130982.2, NM_001130985.2); short protein forms E441K, E409K, E410K, E440K.
Identifiers: ClinVar variation 286722 (VCV000286722.10), dbSNP rs886043461, ClinGen allele CA10605548.
Genomic context (GRCh38, chr2:71,528,342, plus strand): 5'-GTGTCCCTCTTCCCAGTGGACGATGCCGTGATGGACAACGTGAAACAGATCTTTGGCTTC[G>A]AGAGTAACAAGAAGAACTTGGTGGACCCCTTTGTGGAGGTCAGCTTTGCGGGGAAAATGG-3'
Protein context (NP_001124459.1, residues 431-451): MDNVKQIFGF[Glu441Lys]SNKKNLVDPF